The following is an entry in ClinVar:

ClinVar aggregate classification (germline): Pathogenic (1 of 4 stars; one submission).

Conditions:
Ataxia-telangiectasia syndrome (AT). Also called: LOUIS-BAR SYNDROME; Cerebello-oculocutaneous telangiectasia; Immunodeficiency with ataxia telangiectasia; Ataxia telangiectasia (A-T); Ataxia-telangiectasia, complementation group D; AT, COMPLEMENTATION GROUP C. Identifiers: Orphanet 100, MedGen C0004135, MONDO:0008840, OMIM 208900.

Submission:

Labcorp Genetics (formerly Invitae), Labcorp
Classification: Pathogenic for Ataxia-telangiectasia syndrome. Last evaluated: 2023-11-04. Review status: criteria provided, single submitter. Criteria: Invitae Variant Classification Sherloc (09022015). Collection method: clinical testing. Allele origin: germline.
Comment: This sequence change creates a premature translational stop signal (p.Pro2907Serfs*3) in the ATM gene. It is expected to result in an absent or disrupted protein product. Loss-of-function variants in ATM are known to be pathogenic (PMID: 23807571, 25614872). This variant is not present in population databases (gnomAD no frequency). This variant has not been reported in the literature in individuals affected with ATM-related conditions. For these reasons, this variant has been classified as Pathogenic.

Literature cited by the submitters: PubMed 23807571; PubMed 25614872.

NM_000051.4(ATM):c.8718dup (p.Pro2907fs)

Genes: ATM (ATM serine/threonine kinase; plus strand), C11orf65 (chromosome 11 open reading frame 65; minus strand). Cytogenetic location: 11q22.3.
Variant type: Duplication.
Coding change: c.8718dup on transcript NM_000051.4 (MANE Select); coding-DNA position 8718, one base duplicated (T; older notation c.8718dupT).
Protein change: p.Pro2907fs; shifts the reading frame from proline 2907.
Molecular consequence: frameshift variant. On other transcripts: intron variant (2).
Genome position (GRCh38, 1-based): chr11:108,353,812, T duplicated; the last of 2 consecutive T bases (chr11:108,353,811-108,353,812); duplicating either gives the same sequence. VCF-style (leftmost placement, unchanged base first): chr11-108353810-G-GT. GRCh37 (hg19) VCF-style: chr11-108224537-G-GT.
Other names: c.8718dup, p.Pro2907fs (NM_001351834.2); c.640+32109dup (NM_001330368.2); c.695-18519dup (NM_001351110.2); short protein forms P2907fs.
Identifiers: ClinVar variation 2693115 (VCV002693115.3), dbSNP rs2547516230, ClinGen allele CA2697558886.
Genomic context (GRCh38, chr11:108,353,810, plus strand): 5'-GTATTCTTTACTTTAGGTGTTGCTTTTGAACAGGGCAAAATCCTTCCTACTCCTGAGACA[G>GT]TTCCTTTTAGACTCACCAGAGATATTGTGGATGGCATGGGCATTACGGGTGTTGAAGGTG-3'